The following is an entry in ClinVar:

ClinVar aggregate classification (germline): Uncertain significance (1 of 4 stars; one submission).

Conditions:
Nemaline myopathy 2 (NEM2). Also called: Nemaline myopathy 2, autosomal recessive. Identifiers: MedGen C1850569, MONDO:0009725, OMIM 256030.

Allele frequency attached by ClinVar (database versions not stated): TOPMed 0.00002.
gnomAD v4.1: 7 of 1,613,410 alleles (0.00043%); highest among the groups gnomAD compares: Admixed American, 0.0033%; no homozygotes.

Submission:

Labcorp Genetics (formerly Invitae), Labcorp
Classification: Uncertain significance for Nemaline myopathy 2. Last evaluated: 2022-05-25. Review status: criteria provided, single submitter. Criteria: Invitae Variant Classification Sherloc (09022015). Collection method: clinical testing. Allele origin: germline.
Comment: This sequence change replaces arginine, which is basic and polar, with glutamine, which is neutral and polar, at codon 7300 of the NEB protein (p.Arg7300Gln). This variant is present in population databases (no rsID available, gnomAD 0.003%). This variant has not been reported in the literature in individuals affected with NEB-related conditions. Algorithms developed to predict the effect of missense changes on protein structure and function are either unavailable or do not agree on the potential impact of this missense change (SIFT: "Deleterious"; PolyPhen-2: "Not Available"; Align-GVGD: "Class C0"). In summary, the available evidence is currently insufficient to determine the role of this variant in disease. Therefore, it has been classified as a Variant of Uncertain Significance.

NM_001164508.2(NEB):c.21794G>A (p.Arg7265Gln)

Genes: NEB (nebulin; minus strand), RIF1 (replication timing regulatory factor 1; plus strand). Cytogenetic location: 2q23.3.
Variant type: single nucleotide variant.
Coding change: c.21794G>A on transcript NM_001164508.2 (MANE Select); coding-DNA position 21794, G replaced by A.
Protein change: p.Arg7265Gln; replaces arginine 7265 with glutamine.
Molecular consequence: missense variant.
Genome position (GRCh38, 1-based): chr2:151,527,527, C>T on the plus strand (G>A on the coding strand, the complement: NEB is on the minus strand). VCF-style: chr2-151527527-C-T. GRCh37 (hg19) VCF-style: chr2-152384041-C-T.
Other names: c.21794G>A, p.Arg7265Gln (NM_001164507.2); c.21899G>A, p.Arg7300Gln (NM_001271208.2); c.16691G>A, p.Arg5564Gln (NM_004543.5); short protein forms R5564Q, R7300Q, R7265Q.
Identifiers: ClinVar variation 2170388 (VCV002170388.1), dbSNP rs1230390315, ClinGen allele CA348768868.